The following is an entry in ClinVar:

NM_001367479.1(DNAH14):c.11288G>A (p.Arg3763Lys)

Gene: DNAH14 (dynein axonemal heavy chain 14; plus strand). Cytogenetic location: 1q42.12.
Variant type: single nucleotide variant.
Coding change: c.11288G>A on transcript NM_001367479.1 (MANE Select); coding-DNA position 11288, G replaced by A.
Protein change: p.Arg3763Lys; replaces arginine 3763 with lysine.
Molecular consequence: missense variant.
Genome position (GRCh38, 1-based): chr1:225,346,646, G>A. VCF-style: chr1-225346646-G-A. GRCh37 (hg19) VCF-style: chr1-225534348-G-A.
Other names: short protein forms R3763K.
Identifiers: ClinVar variation 402660 (VCV000402660.5), dbSNP rs7535953, ClinGen allele CA1416713.

ClinVar aggregate classification (germline): Benign. Review status: criteria provided, multiple submitters, no conflicts (2 of 4 stars). 2 submissions from 2 submitters: Benign (2). Last evaluated 2016-03-28.

Allele frequency attached by ClinVar (database versions not stated): gnomAD exomes 0.46346; gnomAD 0.48308 and 0.48330; TOPMed 0.49799; ExAC 0.51232; 1000 Genomes Project 0.52915; 1000 Genomes Project 30x 0.53420.
gnomAD v4.1: 684,549 of 1,539,904 alleles (44%); highest among the groups gnomAD compares: African/African-American, 62%; 154,539 homozygotes.

Submissions (2):

Laboratory for Molecular Medicine, Mass General Brigham Personalized Medicine
Classification: Benign. Last evaluated: 2016-03-28. Review status: criteria provided, single submitter. Criteria: LMM Criteria. Collection method: clinical testing. Allele origin: germline.
Comment: Variant identified in a genome or exome case(s) and assessed due to predicted null impact of the variant or pathogenic assertions in the literature or databases. Disclaimer: This variant has not undergone full assessment. The following are preliminary notes: Frequency

Breakthrough Genomics
Classification: Benign. Review status: criteria provided, single submitter. Criteria: ACMG Guidelines, 2015. Collection method: not provided. Allele origin: germline. Inheritance: Unknown mechanism. Affected: yes.